The following is an entry in ClinVar:

NM_000516.7(GNAS):c.984C>T (p.Pro328=)

Gene: GNAS (GNAS complex locus; plus strand). Cytogenetic location: 20q13.32.
Variant type: single nucleotide variant.
Coding change: c.984C>T on transcript NM_000516.7 (MANE Select); coding-DNA position 984, C replaced by T.
Protein change: p.Pro328=; no amino-acid change (proline 328 retained).
Molecular consequence: synonymous variant. On other transcripts: 3 prime UTR variant (2).
Genome position (GRCh38, 1-based): chr20:58,910,347, C>T. VCF-style: chr20-58910347-C-T. GRCh37 (hg19) VCF-style: chr20-57485402-C-T.
Other names: c.987C>T, p.Pro329= (NM_001077488.5); c.939C>T, p.Pro313= (NM_001077489.4); c.*845C>T (NM_001077490.3); c.807C>T, p.Pro269= (NM_001309840.2, NM_001309861.2); c.*890C>T (NM_016592.5); c.2913C>T, p.Pro971= (NM_080425.4); c.942C>T, p.Pro314= (NM_080426.4).
Identifiers: ClinVar variation 726491 (VCV000726491.7), dbSNP rs369498955, ClinGen allele CA9927285.

ClinVar aggregate classification (germline): Likely benign. Review status: criteria provided, multiple submitters, no conflicts (2 of 4 stars). 2 submissions from 2 submitters: Likely benign (2). Last evaluated 2024-10-09.

Conditions:
GNAS-related disorder. Identifiers: MedGen CN380105.

Allele frequency attached by ClinVar (database versions not stated): TOPMed below 0.00001; gnomAD 0.00001; ExAC 0.00002; gnomAD exomes 0.00002; ESP Exome Variant Server 0.00008.
gnomAD v4.1: 9 of 1,610,804 alleles (0.00056%); highest among the groups gnomAD compares: South Asian, 0.0033%; no homozygotes.

Submissions (2):

PreventionGenetics, part of Exact Sciences
Classification: Likely benign for GNAS-related condition. Last evaluated: 2024-10-09. Review status: criteria provided, single submitter. Criteria: ACMG Guidelines, 2015. Collection method: clinical testing. Allele origin: germline.
Comment: This variant is classified as likely benign based on ACMG/AMP sequence variant interpretation guidelines (Richards et al. 2015 PMID: 25741868, with internal and published modifications).

Labcorp Genetics (formerly Invitae), Labcorp
Classification: Likely benign. Last evaluated: 2023-05-20. Review status: criteria provided, single submitter. Criteria: Invitae Variant Classification Sherloc (09022015). Collection method: clinical testing. Allele origin: germline.